The following is an entry in ClinVar:

ClinVar aggregate classification (germline): Uncertain significance. Review status: criteria provided, multiple submitters, no conflicts (2 of 4 stars). 2 submissions from 2 submitters: Uncertain significance (2). Last evaluated 2025-07-06.

Conditions:
Hereditary cancer-predisposing syndrome. Also called: Tumor predisposition; Hereditary neoplastic syndrome; Neoplastic Syndromes, Hereditary; Hereditary Cancer Syndrome. Identifiers: Orphanet 140162, MedGen C0027672, MeSH D009386, MONDO:0015356.
Rhabdoid tumor predisposition syndrome 2 (RTPS2). Identifiers: Orphanet 231108, Orphanet 69077, MedGen C2750074, MONDO:0013224, OMIM 613325.

Submissions (2):

Labcorp Genetics (formerly Invitae), Labcorp
Classification: Uncertain significance for Rhabdoid tumor predisposition syndrome 2. Last evaluated: 2025-07-06. Review status: criteria provided, single submitter. Criteria: Invitae Variant Classification Sherloc (09022015). Collection method: clinical testing. Allele origin: germline.
Comment: This sequence change replaces glutamic acid, which is acidic and polar, with aspartic acid, which is acidic and polar, at codon 536 of the SMARCA4 protein (p.Glu536Asp). This variant is not present in population databases (gnomAD no frequency). This variant has not been reported in the literature in individuals affected with SMARCA4-related conditions. ClinVar contains an entry for this variant (Variation ID: 2171811). Invitae Evidence Modeling of protein sequence and biophysical properties (such as structural, functional, and spatial information, amino acid conservation, physicochemical variation, residue mobility, and thermodynamic stability) has been performed for this missense variant. However, the output from this modeling did not meet the statistical confidence thresholds required to predict the impact of this variant on SMARCA4 protein function. In summary, the available evidence is currently insufficient to determine the role of this variant in disease. Therefore, it has been classified as a Variant of Uncertain Significance.

Ambry Genetics
Classification: Uncertain significance for Hereditary cancer-predisposing syndrome. Last evaluated: 2025-06-12. Review status: criteria provided, single submitter. Criteria: Ambry Variant Classification Scheme 2023. Collection method: clinical testing. Allele origin: germline.
Comment: The p.E536D variant (also known as c.1608G>C), located in coding exon 9 of the SMARCA4 gene, results from a G to C substitution at nucleotide position 1608. The glutamic acid at codon 536 is replaced by aspartic acid, an amino acid with highly similar properties. This amino acid position is conserved. In addition, this alteration is predicted to be tolerated by in silico analysis. Based on the available evidence, the clinical significance of this variant remains unclear.

NM_003072.5(SMARCA4):c.1608G>C (p.Glu536Asp)

Gene: SMARCA4 (SWI/SNF related BAF chromatin remodeling complex subunit ATPase 4; plus strand). Cytogenetic location: 19p13.2.
Variant type: single nucleotide variant.
Coding change: c.1608G>C on transcript NM_003072.5 (MANE Select); coding-DNA position 1608, G replaced by C.
Protein change: p.Glu536Asp; replaces glutamic acid 536 with aspartic acid.
Molecular consequence: missense variant. On other transcripts: non-coding transcript variant (1).
Genome position (GRCh38, 1-based): chr19:10,996,227, G>C. VCF-style: chr19-10996227-G-C. GRCh37 (hg19) VCF-style: chr19-11106903-G-C.
Other names: c.1608G>C (NM_001128849.1); c.1608G>C, p.Glu536Asp (NM_001128844.3, NM_001128845.2, NM_001128846.2 and 6 more transcripts); short protein forms E536D.
Identifiers: ClinVar variation 2171811 (VCV002171811.5), dbSNP rs2145969007, ClinGen allele CA404064238.